The following is an entry in ClinVar:

ClinVar aggregate classification (germline): Conflicting classifications of pathogenicity. Review status: criteria provided, conflicting classifications (1 of 4 stars). 3 submissions from 3 submitters: Uncertain significance (2); Likely benign (1). Last evaluated 2026-01-20.

Conditions:
Inborn genetic diseases. Identifiers: MedGen C0950123, MeSH D030342.
Congenital heart defects, dysmorphic facial features, and intellectual developmental disorder (CHDFIDD). Identifiers: Orphanet 646278, MedGen C4479246, MONDO:0044302, OMIM 617360.

Allele frequency attached by ClinVar (database versions not stated): gnomAD 0.00001; gnomAD exomes 0.00003; ExAC 0.00006.
gnomAD v4.1: 46 of 1,498,788 alleles (0.0031%); highest among the groups gnomAD compares: South Asian, 0.055%; no homozygotes.

Submissions (3):

Ambry Genetics
Classification: Likely benign for Inborn genetic diseases. Last evaluated: 2026-01-20. Review status: criteria provided, single submitter. Criteria: Ambry Variant Classification Scheme 2023. Collection method: clinical testing. Allele origin: germline.

Labcorp Genetics (formerly Invitae), Labcorp
Classification: Uncertain significance. Last evaluated: 2025-01-27. Review status: criteria provided, single submitter. Criteria: Invitae Variant Classification Sherloc (09022015). Collection method: clinical testing. Allele origin: germline.
Comment: This sequence change replaces arginine, which is basic and polar, with glutamine, which is neutral and polar, at codon 999 of the CDK13 protein (p.Arg999Gln). This variant is present in population databases (rs747924178, gnomAD 0.06%), and has an allele count higher than expected for a pathogenic variant. This variant has not been reported in the literature in individuals affected with CDK13-related conditions. ClinVar contains an entry for this variant (Variation ID: 2439872). Invitae Evidence Modeling of protein sequence and biophysical properties (such as structural, functional, and spatial information, amino acid conservation, physicochemical variation, residue mobility, and thermodynamic stability) has been performed for this missense variant. However, the output from this modeling did not meet the statistical confidence thresholds required to predict the impact of this variant on CDK13 protein function. In summary, the available evidence is currently insufficient to determine the role of this variant in disease. Therefore, it has been classified as a Variant of Uncertain Significance.

Revvity Omics, Revvity
Classification: Uncertain significance for Congenital heart defects, dysmorphic facial features, and intellectual developmental disorder. Last evaluated: 2019-02-12. Review status: criteria provided, single submitter. Criteria: ACMG Guidelines, 2015. Collection method: clinical testing. Allele origin: germline.

NM_003718.5(CDK13):c.2996G>A (p.Arg999Gln)

Gene: CDK13 (cyclin dependent kinase 13; plus strand). Cytogenetic location: 7p14.1.
Variant type: single nucleotide variant.
Coding change: c.2996G>A on transcript NM_003718.5 (MANE Select); coding-DNA position 2996, G replaced by A.
Protein change: p.Arg999Gln; replaces arginine 999 with glutamine.
Molecular consequence: missense variant.
Genome position (GRCh38, 1-based): chr7:40,078,818, G>A. VCF-style: chr7-40078818-G-A. GRCh37 (hg19) VCF-style: chr7-40118417-G-A.
Other names: c.2996G>A (NM_003718.4); c.2996G>A, p.Arg999Gln (NM_031267.4); short protein forms R999Q.
Identifiers: ClinVar variation 2439872 (VCV002439872.6), dbSNP rs747924178, ClinGen allele CA4228855.